The following is an entry in ClinVar:

ClinVar aggregate classification (germline): Conflicting classifications of pathogenicity. Review status: criteria provided, conflicting classifications (1 of 4 stars). 2 submissions from 2 submitters: Uncertain significance (1); Likely benign (1). Last evaluated 2025-03-19.

Allele frequency attached by ClinVar (database versions not stated): TOPMed below 0.00001; gnomAD exomes below 0.00001; gnomAD 0.00001.
gnomAD v4.1: 3 of 1,614,070 alleles (0.00019%); highest among the groups gnomAD compares: African/African-American, 0.0027%; no homozygotes.

Submissions (2):

Labcorp Genetics (formerly Invitae), Labcorp
Classification: Likely benign. Last evaluated: 2025-03-19. Review status: criteria provided, single submitter. Criteria: Invitae Variant Classification Sherloc (09022015). Collection method: clinical testing. Allele origin: germline.

GeneDx
Classification: Uncertain significance. Last evaluated: 2019-05-31. Review status: criteria provided, single submitter. Criteria: GeneDx Variant Classification Process June 2021. Collection method: clinical testing. Allele origin: germline. Affected: yes.
Comment: In silico analysis, which includes splice predictors and evolutionary conservation, supports that this variant does not alter splicing; Has not been previously published as pathogenic or benign to our knowledge; No data available from control populations to assess the frequency of this variant

NM_001024630.4(RUNX2):c.1428C>T (p.Thr476=)

Gene: RUNX2 (RUNX family transcription factor 2; plus strand). Cytogenetic location: 6p21.1.
Variant type: single nucleotide variant.
Coding change: c.1428C>T on transcript NM_001024630.4 (MANE Select); coding-DNA position 1428, C replaced by T.
Protein change: p.Thr476=; no amino-acid change (threonine 476 retained).
Molecular consequence: synonymous variant.
Genome position (GRCh38, 1-based): chr6:45,547,167, C>T. VCF-style: chr6-45547167-C-T. GRCh37 (hg19) VCF-style: chr6-45514904-C-T.
Other names: c.1362C>T, p.Thr454= (NM_001015051.4); c.1320C>T, p.Thr440= (NM_001278478.2); c.1386C>T, p.Thr462= (NM_001369405.1).
Identifiers: ClinVar variation 1306281 (VCV001306281.3), dbSNP rs1466405295, ClinGen allele CA450348176.